The following is an entry in ClinVar:

ClinVar aggregate classification (germline): Conflicting classifications of pathogenicity. Review status: criteria provided, conflicting classifications (1 of 4 stars). 16 submissions from 16 submitters: Uncertain significance (4); Benign (2); Likely benign (7). 3 of the submissions do not count toward it. Last evaluated 2026-01-25.

Conditions:
CFTR-related disorder (CFTR-RD). Also called: CFTR-related disorders; CFTR-related condition. Identifiers: MedGen C5924204, MONDO:7770004.
Cystic fibrosis (CF). Also called: MUCOVISCIDOSIS. Identifiers: Orphanet 586, MedGen C0010674, MONDO:0009061, OMIM 219700. Disease mechanism: loss of function.

Allele frequency attached by ClinVar (database versions not stated): gnomAD 0.00006 and 0.00007; ESP Exome Variant Server 0.00008; TOPMed 0.00011; gnomAD exomes 0.00014; ExAC 0.00016.
gnomAD v4.1: 199 of 1,613,968 alleles (0.012%); highest among the groups gnomAD compares: Middle Eastern, 0.066%; no homozygotes.

Submissions (16):

Labcorp Genetics (formerly Invitae), Labcorp
Classification: Benign for Cystic fibrosis. Last evaluated: 2026-01-25. Review status: criteria provided, single submitter. Criteria: Invitae Variant Classification Sherloc (09022015). Collection method: clinical testing. Allele origin: germline.

Women's Health and Genetics/Laboratory Corporation of America, LabCorp
Classification: Likely benign. Last evaluated: 2025-12-02. Review status: criteria provided, single submitter. Criteria: LabCorp Variant Classification Summary - May 2015. Collection method: clinical testing. Allele origin: germline.
Comment: Variant summary: CFTR c.1043T>A (p.Met348Lys) results in a non-conservative amino acid change located in the ABC transporter type 1, transmembrane domain (IPR011527) of the encoded protein sequence. Algorithms developed to predict the effect of missense changes on protein structure and function all suggest that this variant is likely to be disruptive. The variant allele was found at a frequency of 0.00014 in 251178 control chromosomes (gnomAD). This frequency is not significantly higher than estimated for disease-causing variants in CFTR, allowing no conclusion about variant significance. c.1043T>A has been observed in individuals affected with Cystic Fibrosis (e.g., DApice_2004, Liechti-Gallati_1999). However, it has also been found in a healthy homozygous individual (Molinario_2013) and in a patient who presented with respiratory distress, necrotizing enterocolitis and hyperbilirubinemia but a negative sweat test (Hentschel_2012), indicating the variant was not causative for CF. In another family the variant was shown not to co-segregate with the disease (D'Apice_2004). Additionally, the variant has also been found in cis with another pathogenic variant in a CBAVD (Congenital Bilateral Absence of Vas Deferens) and a CF patient with pancreatic insufficiency (Lucarelli_2015). Electrophysiological assessment of CFTR in native rectal epithelium of the patient homozygous for this variant demonstrated normal Cl- secretion (Hentschel_2012), and Gt channel conductance was 61% of normal relative to wildtype (Bihler_2024). The following publications have been ascertained in the context of this evaluation (PMID: 38388235, 32357917, 15084222, 15614862, 22274833, 16128988, 10439967, 25910067, 23951356, 25922769, 28801929, 30134826, 25087612, 26436105). ClinVar contains an entry for this variant (Variation ID: 53173). Based on the evidence outlined above, the variant was classified as likely benign.

Quest Diagnostics Nichols Institute San Juan Capistrano
Classification: Likely benign. Last evaluated: 2025-07-24. Review status: criteria provided, single submitter. Criteria: Quest Diagnostics criteria. Collection method: clinical testing. Allele origin: unknown.

Mayo Clinic Laboratories, Mayo Clinic
Classification: Likely benign. Last evaluated: 2025-07-07. Review status: criteria provided, single submitter. Criteria: ACMG Guidelines, 2015. Collection method: clinical testing. Allele origin: germline. Observed: 3 variant alleles.
Comment: BS2, BP2, PP3_moderate

GeneDx
Classification: Uncertain significance. Last evaluated: 2025-05-29. Review status: criteria provided, single submitter. Criteria: GeneDx Variant Classification Process June 2021. Collection method: clinical testing. Allele origin: germline. Affected: yes.
Comment: Published functional studies with conflicting results: damaging effect on channel conductance, though not as severe as CF-causing variants (PMID: 38388235) and no damaging effect on channel conductance (PMID: 23083715); Observed in apparent homozygous state in a patient with presumptive cystic fibrosis and positive sweat chloride in the literature (PMID: Turkyilmaz2021[CaseReport]); In silico analysis supports that this missense variant has a deleterious effect on protein structure/function; This variant is associated with the following publications: (PMID: 34405919, 25087612, 23951356, 15614862, 29484681, 26496611, 22274833, 8865181, 25922769, 8406518, 33946859, 34842364, 38388235, 37628659, 39107303, 23083715, 37313453, 34888852, Canbek2024[CaseReport], 33572515, 40070865, 34600583, Turkyilmaz2021[CaseReport])

ARUP Laboratories, Molecular Genetics and Genomics, ARUP Laboratories
Classification: Likely benign. Last evaluated: 2025-03-14. Review status: criteria provided, single submitter. Criteria: ARUP Molecular Germline Variant Investigation Process 2024. Collection method: clinical testing. Allele origin: germline.

CeGaT Center for Human Genetics Tuebingen
Classification: Likely benign. Last evaluated: 2023-12-01. Review status: criteria provided, single submitter. Criteria: CeGaT Center For Human Genetics Tuebingen Variant Classification Criteria Version 2. Collection method: clinical testing. Allele origin: germline. Affected: yes. Observed: 1 variant allele.
Comment: CFTR: PM1, PP3, BP2, BS3:Supporting, BS4

Mendelics
Classification: Benign for Cystic fibrosis. Last evaluated: 2023-08-22. Review status: criteria provided, single submitter. Criteria: Mendelics Assertion Criteria 2019. Collection method: clinical testing. Allele origin: germline.

Genome-Nilou Lab
Classification: Uncertain significance for Cystic fibrosis. Last evaluated: 2021-07-22. Review status: criteria provided, single submitter. Criteria: ACMG Guidelines, 2015. Collection method: clinical testing. Allele origin: germline. Affected: no.

Pars Genome Lab
Classification: Uncertain significance for Cystic fibrosis. Last evaluated: 2021-05-18. Review status: criteria provided, single submitter. Criteria: ACMG Guidelines, 2015. Collection method: clinical testing. Allele origin: germline. Affected: no.

Johns Hopkins Genomics, Johns Hopkins University
Classification: Likely benign for Cystic fibrosis. Last evaluated: 2020-05-07. Review status: criteria provided, single submitter. Criteria: ACMG Guidelines, 2015. Collection method: clinical testing. Allele origin: germline.

Ambry Genetics
Classification: Likely benign for Cystic fibrosis. Last evaluated: 2019-04-01. Review status: criteria provided, single submitter. Criteria: Ambry Variant Classification Scheme 2023. Collection method: clinical testing. Allele origin: germline.

Eurofins Ntd Llc (ga)
Classification: Uncertain significance. Last evaluated: 2016-09-16. Review status: criteria provided, single submitter. Criteria: EGL Classification Definitions 2015. Collection method: clinical testing. Allele origin: germline. Observed: 1 variant allele, 1 heterozygote.

Natera, Inc.
Classification: Likely benign for Cystic Fibrosis. Last evaluated: 2019-08-06. Review status: no assertion criteria provided. Collection method: clinical testing. Allele origin: germline. Not counted in ClinVar's aggregate classification.

PreventionGenetics, part of Exact Sciences
Classification: Likely benign for CFTR-related condition. Last evaluated: 2019-07-02. Review status: no assertion criteria provided. Collection method: clinical testing. Allele origin: germline. Not counted in ClinVar's aggregate classification.
Comment: This variant is classified as likely benign based on ACMG/AMP sequence variant interpretation guidelines (Richards et al. 2015 PMID: 25741868, with internal and published modifications).

Counsyl
Classification: Uncertain significance for Cystic fibrosis. Last evaluated: 2018-01-08. Review status: no assertion criteria provided. Collection method: clinical testing. Allele origin: unknown. Not counted in ClinVar's aggregate classification.

Literature cited by the submitters: PubMed 16128988 (cited by Women's Health and Genetics/Laboratory Corporation of America, LabCorp); PubMed 15084222 (cited by Women's Health and Genetics/Laboratory Corporation of America, LabCorp and Counsyl); PubMed 10439967 (cited by Women's Health and Genetics/Laboratory Corporation of America, LabCorp); PubMed 23951356 (cited by Women's Health and Genetics/Laboratory Corporation of America, LabCorp and Mayo Clinic Laboratories, Mayo Clinic); PubMed 25087612 (cited by Women's Health and Genetics/Laboratory Corporation of America, LabCorp and Mayo Clinic Laboratories, Mayo Clinic); PubMed 15614862 (cited by 6 submitters); PubMed 22274833 (cited by 6 submitters); PubMed 25922769 (cited by 6 submitters); PubMed 25910067 (cited by 3 submitters); PubMed 26436105 (cited by Women's Health and Genetics/Laboratory Corporation of America, LabCorp); PubMed 28801929 (cited by Women's Health and Genetics/Laboratory Corporation of America, LabCorp); PubMed 30134826 (cited by Women's Health and Genetics/Laboratory Corporation of America, LabCorp); PubMed 32357917 (cited by Women's Health and Genetics/Laboratory Corporation of America, LabCorp and Mayo Clinic Laboratories, Mayo Clinic); PubMed 38388235 (cited by 3 submitters); PubMed 26496611 (cited by Mayo Clinic Laboratories, Mayo Clinic and Counsyl); PubMed 30938940 (cited by Mayo Clinic Laboratories, Mayo Clinic); PubMed 33572515 (cited by Mayo Clinic Laboratories, Mayo Clinic); PubMed 34600583 (cited by Mayo Clinic Laboratories, Mayo Clinic); PubMed 34842364 (cited by Mayo Clinic Laboratories, Mayo Clinic); PubMed 34888852 (cited by Mayo Clinic Laboratories, Mayo Clinic); PubMed 37628659 (cited by Mayo Clinic Laboratories, Mayo Clinic); PubMed 38933898 (cited by Mayo Clinic Laboratories, Mayo Clinic); PubMed 39107303 (cited by Mayo Clinic Laboratories, Mayo Clinic); PubMed 40070865 (cited by Mayo Clinic Laboratories, Mayo Clinic); PubMed 8406518 (cited by Mayo Clinic Laboratories, Mayo Clinic and Counsyl); PubMed 8865181 (cited by 3 submitters); PubMed 23083715 (cited by Ambry Genetics and Counsyl); PubMed 12752573 (cited by Counsyl); PubMed 11168024 (cited by Counsyl).

NM_000492.4(CFTR):c.1043T>A (p.Met348Lys)

Gene: CFTR (CF transmembrane conductance regulator; plus strand). Cytogenetic location: 7q31.2.
Variant type: single nucleotide variant.
Coding change: c.1043T>A on transcript NM_000492.4 (MANE Select); coding-DNA position 1043, T replaced by A.
Protein change: p.Met348Lys; replaces methionine 348 with lysine.
Molecular consequence: missense variant.
Genome position (GRCh38, 1-based): chr7:117,540,273, T>A. VCF-style: chr7-117540273-T-A. GRCh37 (hg19) VCF-style: chr7-117180327-T-A.
Other names: short protein forms M348K.
Identifiers: ClinVar variation 53173 (VCV000053173.66), dbSNP rs142920240, ClinGen allele CA326375.